The following is an entry in ClinVar:

ClinVar aggregate classification (germline): Uncertain significance (1 of 4 stars; one submission).

gnomAD v4.1: 3 of 1,613,522 alleles (0.00019%); highest among the groups gnomAD compares: South Asian, 0.0033%; no homozygotes.

Submission:

Ambry Genetics
Classification: Uncertain significance. Last evaluated: 2025-12-27. Review status: criteria provided, single submitter. Criteria: Ambry Variant Classification Scheme 2023. Collection method: clinical testing. Allele origin: germline.
Comment: The p.P925S variant (also known as c.2773C>T), located in coding exon 11 of the WNK2 gene, results from a C to T substitution at nucleotide position 2773. The proline at codon 925 is replaced by serine, an amino acid with similar properties. This amino acid position is conserved. In addition, this alteration is predicted to be tolerated by in silico analysis. Based on the available evidence, the clinical significance of this variant remains unclear.

NM_006648.4(WNK2):c.2773C>T (p.Pro925Ser)

Gene: WNK2 (WNK lysine deficient protein kinase 2; plus strand). Cytogenetic location: 9q22.31.
Variant type: single nucleotide variant.
Coding change: c.2773C>T on transcript NM_006648.4 (MANE Select); coding-DNA position 2773, C replaced by T.
Protein change: p.Pro925Ser; replaces proline 925 with serine.
Molecular consequence: missense variant.
Genome position (GRCh38, 1-based): chr9:93,259,321, C>T. VCF-style: chr9-93259321-C-T. GRCh37 (hg19) VCF-style: chr9-96021603-C-T.
Other names: c.2773C>T, p.Pro925Ser (NM_001282394.3); short protein forms P925S.
Identifiers: ClinVar variation 4842112 (VCV004842112.1).